The following is an entry in ClinVar:

ClinVar aggregate classification (germline): Pathogenic/Likely pathogenic. Review status: criteria provided, multiple submitters, no conflicts (2 of 4 stars). 6 submissions from 6 submitters: Pathogenic (4); Likely pathogenic (2). Last evaluated 2025-09-10.

Conditions:
GFM1-related disorder. Also called: GFM1-related condition.
Hepatoencephalopathy due to combined oxidative phosphorylation defect type 1. Also called: HEPATOENCEPHALOPATHY, EARLY FATAL PROGRESSIVE. Identifiers: Orphanet 137681, MedGen C1836797, MONDO:0012191, OMIM 609060.

Allele frequency attached by ClinVar (database versions not stated): gnomAD exomes below 0.00001; ExAC 0.00001; gnomAD 0.00001; TOPMed 0.00001.
gnomAD v4.1: 3 of 1,157,964 alleles (0.00026%); highest among the groups gnomAD compares: East Asian, 0.007%; no homozygotes.

Submissions (6):

Natera, Inc.
Classification: Likely pathogenic for Combined oxidative phosphorylation deficiency 1. Last evaluated: 2025-09-10. Review status: criteria provided, single submitter. Criteria: Natera Variant Classification Schema (03/2026). Collection method: clinical testing. Allele origin: germline.
Comment: The c.688G>A variant in GFM1 is a missense variant predicted to cause substitution of glycine to serine at amino acid 230. This variant is rare in the general population with a frequency below the threshold expected for the associated phenotype(s). This variant has been observed in one or more individuals affected with the associated recessive disease, as either homozygous or compound heterozygous with a second variant (PMID: 33093908, 23430926). Additionally, this variant has been observed to segregate in affected family members (PMID: 33093908). Computational prediction algorithms indicate this variant is likely to affect gene or protein function. Given the available evidence, this variant is classified as Likely Pathogenic.

Labcorp Genetics (formerly Invitae), Labcorp
Classification: Pathogenic. Last evaluated: 2024-03-01. Review status: criteria provided, single submitter. Criteria: Invitae Variant Classification Sherloc (09022015). Collection method: clinical testing. Allele origin: germline.
Comment: This sequence change replaces glycine, which is neutral and non-polar, with serine, which is neutral and polar, at codon 230 of the GFM1 protein (p.Gly230Ser). This variant is present in population databases (rs774456344, gnomAD 0.01%). This missense change has been observed in individual(s) with combined oxidative phosphorylation deficiency (PMID: 23430926, 33210482). In at least one individual the data is consistent with being in trans (on the opposite chromosome) from a pathogenic variant. It has also been observed to segregate with disease in related individuals. ClinVar contains an entry for this variant (Variation ID: 214493). An algorithm developed to predict the effect of missense changes on protein structure and function (PolyPhen-2) suggests that this variant is likely to be disruptive. For these reasons, this variant has been classified as Pathogenic.

Women's Health and Genetics/Laboratory Corporation of America, LabCorp
Classification: Pathogenic for Hepatoencephalopathy due to combined oxidative phosphorylation defect type 1. Last evaluated: 2023-08-29. Review status: criteria provided, single submitter. Criteria: LabCorp Variant Classification Summary - May 2015. Collection method: clinical testing. Allele origin: germline.
Comment: Variant summary: GFM1 c.688G>A (p.Gly230Ser) results in a non-conservative amino acid change located in the GTP-binding domain (IPR000795) of the encoded protein sequence. Five of five in-silico tools predict a damaging effect of the variant on protein function. In addition, the variant affects the last nucleotide of exon 5, however consensus agreement among computation tools predict no significant impact on normal splicing. However, these predictions have yet to be confirmed by functional studies. The variant allele was found at a frequency of 4e-06 in 250564 control chromosomes (gnomAD). c.688G>A has been reported in the literature in multiple compound heterozygous and in a homozygous individual affected with Combined Oxidative Phosphorylation Deficiency 1 (e.g. Balasubramaniam_2012, Shen_2020, Su_2020, You_2016 (NO PMID), Dai_2022 (NO PMID)), and in all the reported compound heterozygote cases a (likely) pathogenic variant was described in trans. One of these reports performed biochemical examination of cultured fibroblasts derived from a compound heterozygous patient, and demonstrated reduced respiratory chain enzyme activities of complex I and IV (Balasubramaniam_2012). These data indicate that the variant is very likely to be associated with disease. The following publications have been ascertained in the context of this evaluation (PMID: 23430926, 33210482, 33093908). One submitter has cited clinical-significance assessments for this variant to ClinVar after 2014 and has classified the variant as pathogenic. Based on the evidence outlined above, the variant was classified as pathogenic.

Baylor Genetics
Classification: Likely pathogenic for Hepatoencephalopathy due to combined oxidative phosphorylation defect type 1. Last evaluated: 2022-10-30. Review status: criteria provided, single submitter. Criteria: ACMG Guidelines, 2015. Collection method: clinical testing. Allele origin: unknown.

PreventionGenetics, part of Exact Sciences
Classification: Pathogenic for GFM1-related condition. Last evaluated: 2022-08-23. Review status: criteria provided, single submitter. Criteria: ACMG Guidelines, 2015. Collection method: clinical testing. Allele origin: germline.
Comment: The GFM1 c.688G>A variant is predicted to result in the amino acid substitution p.Gly230Arg. This variant was reported in the compound heterozygous state in an individual with infantile progressive hepatoencephalomyopathy with combined oxidative phosphorylation (OXPHOS) deficiency (Balasubramaniam et al. 2012. PubMed ID: 23430926) and in two siblings from an unrelated family with severe OXPHOS deficiency (Su and Wang. 2020. PubMed ID: 33093908). This variant is reported in 0.010% of alleles in individuals of East Asian descent in gnomAD and is reported as pathogenic in ClinVar. Taken together, this variant is interpreted as pathogenic.

GeneDx
Classification: Pathogenic. Last evaluated: 2013-06-25. Review status: criteria provided, single submitter. Criteria: GeneDx Variant Classification (06012015). Collection method: clinical testing. Allele origin: germline. Affected: yes.
Comment: This mutation is denoted c.688 G>A at the cDNA level or p.Gly230Ser (G230S) at the protein level. The G230S missense mutation in the GFM1 gene has been reported previously in association with infantile progressive hepatoencephalomyopathy with combined oxidative phosphorylation deficiency in a patient who harbored another GFM1 gene on the opposite allele (Balasubramaniam et al., 2012). The variant is found in LSME-MITOP panel(s).

Literature cited by the submitters: PubMed 33093908 (cited by Natera, Inc. and Women's Health and Genetics/Laboratory Corporation of America, LabCorp); PubMed 23430926 (cited by 3 submitters); PubMed 33210482 (cited by Labcorp Genetics (formerly Invitae), Labcorp and Women's Health and Genetics/Laboratory Corporation of America, LabCorp).

NM_024996.7(GFM1):c.688G>A (p.Gly230Ser)

Gene: GFM1 (G elongation factor mitochondrial 1; plus strand). Cytogenetic location: 3q25.32.
Variant type: single nucleotide variant.
Coding change: c.688G>A on transcript NM_024996.7 (MANE Select); coding-DNA position 688, G replaced by A.
Protein change: p.Gly230Ser; replaces glycine 230 with serine.
Molecular consequence: missense variant. On other transcripts: non-coding transcript variant (2), intron variant (3).
Genome position (GRCh38, 1-based): chr3:158,649,156, G>A. VCF-style: chr3-158649156-G-A. GRCh37 (hg19) VCF-style: chr3-158366945-G-A.
Other names: p.G230S:GGT>AGT; c.688G>A (NM_001308164.1); c.688G>A, p.Gly230Arg (NM_001308164.2, NM_001374355.1); c.688G>A, p.Gly230Ser (NM_001308166.2); c.463G>A, p.Gly155Ser (NM_001374357.1); c.121G>A, p.Gly41Ser (NM_001374359.1, NM_001374360.1); c.572+2209G>A (NM_001374356.1); c.6-2940G>A (NM_001374361.1); and 1 more; short protein forms G230S, G230R, G155S, G41S.
Identifiers: ClinVar variation 214493 (VCV000214493.11), dbSNP rs774456344, ClinGen allele CA324294.